The following is an entry in ClinVar:

ClinVar aggregate classification (germline): Uncertain significance (1 of 4 stars; one submission).

Conditions:
Bloom syndrome (BLM). Also called: Bloom-Torre-Machacek syndrome. Identifiers: Orphanet 125, MedGen C0005859, MONDO:0008876, OMIM 210900.

Submission:

Labcorp Genetics (formerly Invitae), Labcorp
Classification: Uncertain significance for Bloom syndrome. Last evaluated: 2024-06-06. Review status: criteria provided, single submitter. Criteria: Invitae Variant Classification Sherloc (09022015). Collection method: clinical testing. Allele origin: germline.
Comment: This variant, c.3601_3603del, results in the deletion of 1 amino acid(s) of the BLM protein (p.Gln1201del), but otherwise preserves the integrity of the reading frame. This variant is present in population databases (no rsID available, gnomAD 0.0009%). This variant has not been reported in the literature in individuals affected with BLM-related conditions. Experimental studies and prediction algorithms are not available or were not evaluated, and the functional significance of this variant is currently unknown. In summary, the available evidence is currently insufficient to determine the role of this variant in disease. Therefore, it has been classified as a Variant of Uncertain Significance.

NM_000057.4(BLM):c.3601_3603del (p.Gln1201del)

Gene: BLM (BLM RecQ like helicase; plus strand). Cytogenetic location: 15q26.1.
Variant type: Deletion.
Coding change: c.3601_3603del on transcript NM_000057.4 (MANE Select); coding-DNA positions 3601 to 3603, 3 bases deleted (CAA; older notation c.3601_3603delCAA).
Protein change: p.Gln1201del; deletes glutamine 1201.
Molecular consequence: inframe deletion. On other transcripts: intron variant (1).
Genome position (GRCh38, 1-based): chr15:90,804,209-90,804,211, CAA deleted; deleting any 3 consecutive bases within chr15:90,804,207-90,804,211 gives the same sequence; the c. name uses the placement nearest the transcript's 3' end. VCF-style (leftmost placement, unchanged base first): chr15-90804206-AAAC-A. GRCh37 (hg19) VCF-style: chr15-91347436-AAAC-A.
Other names: c.3601_3603del, p.Gln1201del (NM_001287246.2); c.2476_2478del, p.Gln826del (NM_001287248.2); c.3359-4928_3359-4926del (NM_001287247.2); short protein forms Q1201del, Q826del.
Identifiers: ClinVar variation 2723430 (VCV002723430.3), dbSNP rs1391145517, ClinGen allele CA619860818.